The following is an entry in ClinVar:

NM_020911.2(PLXNA4):c.5539A>G (p.Met1847Val)

Gene: PLXNA4 (plexin A4; minus strand). Cytogenetic location: 7q32.3.
Variant type: single nucleotide variant.
Coding change: c.5539A>G on transcript NM_020911.2 (MANE Select); coding-DNA position 5539, A replaced by G.
Protein change: p.Met1847Val; replaces methionine 1847 with valine.
Molecular consequence: missense variant.
Genome position (GRCh38, 1-based): chr7:132,133,099, T>C on the plus strand (A>G on the coding strand, the complement: PLXNA4 is on the minus strand). VCF-style: chr7-132133099-T-C. GRCh37 (hg19) VCF-style: chr7-131817858-T-C.
Other names: c.5539A>G, p.Met1847Val (NM_001393897.1); short protein forms M1847V.
Identifiers: ClinVar variation 2635717 (VCV002635717.3), dbSNP rs753740431, ClinGen allele CA4488878.

ClinVar aggregate classification (germline): Uncertain significance (0 of 4 stars; one submission).

Conditions:
PLXNA4-related disorder. Also called: PLXNA4-related condition.

Allele frequency attached by ClinVar (database versions not stated): gnomAD exomes 0.00003; TOPMed 0.00003; ExAC 0.00004; gnomAD 0.00004.

Submission:

PreventionGenetics, part of Exact Sciences
Classification: Uncertain significance for PLXNA4-related condition. Last evaluated: 2023-12-30. Review status: no assertion criteria provided. Collection method: clinical testing. Allele origin: germline.
Comment: The PLXNA4 c.5539A>G variant is predicted to result in the amino acid substitution p.Met1847Val. To our knowledge, this variant has not been reported in the literature. This variant is reported in 0.010% of alleles in individuals of East Asian descent in gnomAD. At this time, the clinical significance of this variant is uncertain due to the absence of conclusive functional and genetic evidence.